The following is an entry in ClinVar:

NM_001252024.2(TRPM1):c.4358C>A (p.Ala1453Asp)

Gene: TRPM1 (transient receptor potential cation channel subfamily M member 1; minus strand). Cytogenetic location: 15q13.3.
Variant type: single nucleotide variant.
Coding change: c.4358C>A on transcript NM_001252024.2 (MANE Select); coding-DNA position 4358, C replaced by A.
Protein change: p.Ala1453Asp; replaces alanine 1453 with aspartic acid.
Molecular consequence: missense variant.
Genome position (GRCh38, 1-based): chr15:31,002,342, G>T on the plus strand (C>A on the coding strand, the complement: TRPM1 is on the minus strand). VCF-style: chr15-31002342-G-T. GRCh37 (hg19) VCF-style: chr15-31294545-G-T.
Other names: c.4409C>A, p.Ala1470Asp (NM_001252020.2); c.4292C>A, p.Ala1431Asp (NM_002420.6); c.4292C>A (NM_002420.4); short protein forms A1431D, A1453D, A1470D.
Identifiers: ClinVar variation 2041837 (VCV002041837.4), dbSNP rs765032931, ClinGen allele CA7451656.
Genomic context (GRCh38, chr15:31,002,342, plus strand): 5'-CCACCGACCAGCTTTCTTCCCCGGGAATAGACGAAGCTTCTGGACTTCATTGTTTTACAA[G>T]CATTGATCGTTTCATCGGGGAAATAGCGTGTAATTTTGGTTTCTTCCAGGGGATAGGAAA-3'
Protein context (NP_001238953.1, residues 1443-1463): TRYFPDETIN[Ala1453Asp]CKTMKSRSFV

ClinVar aggregate classification (germline): Uncertain significance. Review status: criteria provided, multiple submitters, no conflicts (2 of 4 stars). 2 submissions from 2 submitters: Uncertain significance (2). Last evaluated 2025-10-18.

Conditions:
Inborn genetic diseases. Identifiers: MedGen C0950123, MeSH D030342.

Allele frequency attached by ClinVar (database versions not stated): TOPMed 0.00001; gnomAD exomes 0.00005; ExAC 0.00001.
gnomAD v4.1: 70 of 1,614,212 alleles (0.0043%); highest among the groups gnomAD compares: Non-Finnish European, 0.0058%; no homozygotes.

Submissions (2):

Labcorp Genetics (formerly Invitae), Labcorp
Classification: Uncertain significance. Last evaluated: 2025-10-18. Review status: criteria provided, single submitter. Criteria: Invitae Variant Classification Sherloc (09022015). Collection method: clinical testing. Allele origin: germline.
Comment: This sequence change replaces alanine, which is neutral and non-polar, with aspartic acid, which is acidic and polar, at codon 1431 of the TRPM1 protein (p.Ala1431Asp). This variant is present in population databases (rs765032931, gnomAD 0.003%). This variant has not been reported in the literature in individuals affected with TRPM1-related conditions. ClinVar contains an entry for this variant (Variation ID: 2041837). Invitae Evidence Modeling of protein sequence and biophysical properties (such as structural, functional, and spatial information, amino acid conservation, physicochemical variation, residue mobility, and thermodynamic stability) indicates that this missense variant is not expected to disrupt TRPM1 protein function with a negative predictive value of 95%. In summary, the available evidence is currently insufficient to determine the role of this variant in disease. Therefore, it has been classified as a Variant of Uncertain Significance.

Ambry Genetics
Classification: Uncertain significance for Inborn genetic diseases. Last evaluated: 2025-03-27. Review status: criteria provided, single submitter. Criteria: Ambry Variant Classification Scheme 2023. Collection method: clinical testing. Allele origin: germline.